The following is an entry in ClinVar:

ClinVar aggregate classification (germline): Uncertain significance. Review status: criteria provided, multiple submitters, no conflicts (2 of 4 stars). 2 submissions from 2 submitters: Uncertain significance (2). Last evaluated 2024-11-15.

Conditions:
Retinitis pigmentosa 71 (RP71). Identifiers: Orphanet 791, MedGen C4225342, MONDO:0014618, OMIM 616394.
Short-rib thoracic dysplasia 10 with or without polydactyly (SRTD10). Identifiers: Orphanet 474, MedGen C3810175, MONDO:0014284, OMIM 615630.
IFT172-related disorder. Also called: IFT172-related condition; IFT172-related disorders.

Allele frequency attached by ClinVar (database versions not stated): gnomAD exomes below 0.00001.
gnomAD v4.1: 1 of 1,614,194 alleles (0.000062%); highest among the groups gnomAD compares: Non-Finnish European, 0.000085%; no homozygotes.

Submissions (2):

PreventionGenetics, part of Exact Sciences
Classification: Uncertain significance for IFT172-related condition. Last evaluated: 2024-11-15. Review status: criteria provided, single submitter. Criteria: ACMG Guidelines, 2015. Collection method: clinical testing. Allele origin: germline.
Comment: The IFT172 c.2833A>G variant is predicted to result in the amino acid substitution p.Ile945Val. To our knowledge, this variant has not been reported in the literature. This variant is reported in 0.00088% of alleles in individuals of European (Non-Finnish) descent in gnomAD. At this time, the clinical significance of this variant is uncertain due to the absence of conclusive functional and genetic evidence.

Labcorp Genetics (formerly Invitae), Labcorp
Classification: Uncertain significance for Retinitis pigmentosa 71; Short-rib thoracic dysplasia 10 with or without polydactyly. Last evaluated: 2020-09-29. Review status: criteria provided, single submitter. Criteria: Invitae Variant Classification Sherloc (09022015). Collection method: clinical testing. Allele origin: germline.
Comment: This sequence change replaces isoleucine with valine at codon 945 of the IFT172 protein (p.Ile945Val). The isoleucine residue is highly conserved and there is a small physicochemical difference between isoleucine and valine. This variant is not present in population databases (ExAC no frequency). This variant has not been reported in the literature in individuals with IFT172-related conditions. Algorithms developed to predict the effect of missense changes on protein structure and function are either unavailable or do not agree on the potential impact of this missense change (SIFT: "Deleterious"; PolyPhen-2: "Benign"; Align-GVGD: "Class C0"). In summary, the available evidence is currently insufficient to determine the role of this variant in disease. Therefore, it has been classified as a Variant of Uncertain Significance.

NM_015662.3(IFT172):c.2833A>G (p.Ile945Val)

Genes: IFT172 (intraflagellar transport 172; minus strand), LOC126806174 (CDK7 strongly-dependent group 2 enhancer GRCh37_chr2:27681686-27682885; plus strand). Cytogenetic location: 2p23.3.
Variant type: single nucleotide variant.
Coding change: c.2833A>G on transcript NM_015662.3 (MANE Select); coding-DNA position 2833, A replaced by G.
Protein change: p.Ile945Val; replaces isoleucine 945 with valine.
Molecular consequence: missense variant.
Genome position (GRCh38, 1-based): chr2:27,458,823, T>C on the plus strand (A>G on the coding strand, the complement: IFT172 is on the minus strand). VCF-style: chr2-27458823-T-C. GRCh37 (hg19) VCF-style: chr2-27681690-T-C.
Other names: c.2833A>G (NM_015662.2); short protein forms I945V.
Identifiers: ClinVar variation 1006769 (VCV001006769.10), dbSNP rs1477777983, ClinGen allele CA346381569.